The following is an entry in ClinVar:

ClinVar aggregate classification (germline): Uncertain significance (1 of 4 stars; one submission).

Conditions:
Hereditary cancer-predisposing syndrome. Also called: Neoplastic Syndromes, Hereditary; Tumor predisposition; Hereditary Cancer Syndrome; Hereditary neoplastic syndrome. Identifiers: Orphanet 140162, MedGen C0027672, MeSH D009386, MONDO:0015356.

Submission:

Ambry Genetics
Classification: Uncertain significance for Hereditary cancer-predisposing syndrome. Last evaluated: 2026-05-07. Review status: criteria provided, single submitter. Criteria: Ambry Variant Classification Scheme 2023. Collection method: clinical testing. Allele origin: germline.
Comment: The p.A412G variant (also known as c.1235C>G), located in coding exon 9 of the PTCH1 gene, results from a C to G substitution at nucleotide position 1235. The alanine at codon 412 is replaced by glycine, an amino acid with similar properties. This amino acid position is not well conserved in available vertebrate species. In addition, the in silico prediction for this alteration is inconclusive. Based on the available evidence, the clinical significance of this variant remains unclear.

NM_000264.5(PTCH1):c.1235C>G (p.Ala412Gly)

Gene: PTCH1 (patched 1; minus strand). Cytogenetic location: 9q22.32.
Variant type: single nucleotide variant.
Coding change: c.1235C>G on transcript NM_000264.5 (MANE Select); coding-DNA position 1235, C replaced by G.
Protein change: p.Ala412Gly; replaces alanine 412 with glycine.
Molecular consequence: missense variant. On other transcripts: non-coding transcript variant (1).
Genome position (GRCh38, 1-based): chr9:95,478,167, G>C on the plus strand (C>G on the coding strand, the complement: PTCH1 is on the minus strand). VCF-style: chr9-95478167-G-C. GRCh37 (hg19) VCF-style: chr9-98240449-G-C.
Other names: c.1037C>G, p.Ala346Gly (NM_001083602.3); c.1232C>G, p.Ala411Gly (NM_001083603.3); c.782C>G, p.Ala261Gly (NM_001083604.3, NM_001083605.3, NM_001083606.3 and 1 more transcripts); c.1235C>G, p.Ala412Gly (NM_001354918.2); short protein forms A261G, A346G, A411G, A412G.
Identifiers: ClinVar variation 4862626 (VCV004862626.1).